The following is an entry in ClinVar:

NM_213655.5(WNK1):c.2201C>T (p.Pro734Leu)

Gene: WNK1 (WNK lysine deficient protein kinase 1; plus strand). Cytogenetic location: 12p13.33.
Variant type: single nucleotide variant.
Coding change: c.2201C>T on transcript NM_213655.5 (MANE Plus Clinical); coding-DNA position 2201, C replaced by T.
Protein change: p.Pro734Leu; replaces proline 734 with leucine.
Molecular consequence: missense variant. On other transcripts: intron variant (3).
Genome position (GRCh38, 1-based): chr12:865,171, C>T. VCF-style: chr12-865171-C-T. GRCh37 (hg19) VCF-style: chr12-974337-C-T.
Other names: c.2140-2695C>T (NM_001184985.2); c.2139+2901C>T (NM_018979.4, NM_014823.3); short protein forms P734L.
Identifiers: ClinVar variation 1094977 (VCV001094977.17), dbSNP rs564717613, ClinGen allele CA6382132.
Genomic context (GRCh38, chr12:865,171, plus strand): 5'-CTCGTCGTGGCCGTAGCATGTCGGTTTGTGTTCCCATCTTTCTGCTGTTGCCTCTGTGTC[C>T]CGCATCTCTCCCAGTGCTCTTCCACCCCACCGCCAGTACTGTCTGCACCTCTTTCTCCTT-3'
Protein context (NP_998820.3, residues 724-744): VPIFLLLPLC[Pro734Leu]ASLPVLFHPT

ClinVar aggregate classification (germline): Conflicting classifications of pathogenicity. Review status: criteria provided, conflicting classifications (1 of 4 stars). 5 submissions from 5 submitters: Uncertain significance (1); Likely benign (3). 1 of the submissions does not count toward it. Last evaluated 2025-12-26.

Conditions:
Neuropathy, hereditary sensory and autonomic, type 2A (HSAN2A). Also called: MORVAN DISEASE; NEUROPATHY, CONGENITAL SENSORY; NEUROPATHY, HEREDITARY SENSORY RADICULAR, AUTOSOMAL RECESSIVE; NEUROPATHY, HEREDITARY SENSORY, TYPE IIA; NEUROPATHY, PROGRESSIVE SENSORY, OF CHILDREN; WNK1-Related HSAN2 (HSAN2A). Identifiers: Orphanet 970, MedGen C2752089, MONDO:0024309, OMIM 201300.
Pseudohypoaldosteronism type 2C (PHA2C). Also called: Pseudohypoaldosteronism Type IIC. Identifiers: Orphanet 757, Orphanet 88940, MedGen C1840391, MONDO:0013778, OMIM 614492.
WNK1-related disorder. Also called: WNK1-related condition.
Inborn genetic diseases. Identifiers: MedGen C0950123, MeSH D030342.

Allele frequency attached by ClinVar (database versions not stated): ExAC 0.00009; gnomAD exomes 0.00012 and 0.00027; 1000 Genomes Project 0.00060; 1000 Genomes Project 30x 0.00109; TOPMed 0.00145; gnomAD 0.00146 and 0.00161.
gnomAD v4.1: 357 of 1,514,664 alleles (0.024%); highest among the groups gnomAD compares: African/African-American, 0.49%; no homozygotes.

Submissions (5):

Labcorp Genetics (formerly Invitae), Labcorp
Classification: Likely benign for Neuropathy, hereditary sensory and autonomic, type 2A; Pseudohypoaldosteronism type 2C. Last evaluated: 2025-12-26. Review status: criteria provided, single submitter. Criteria: Invitae Variant Classification Sherloc (09022015). Collection method: clinical testing. Allele origin: germline.

Women's Health and Genetics/Laboratory Corporation of America, LabCorp
Classification: Likely benign. Last evaluated: 2024-03-26. Review status: criteria provided, single submitter. Criteria: LabCorp Variant Classification Summary - May 2015. Collection method: clinical testing. Allele origin: germline.

GeneDx
Classification: Uncertain significance. Last evaluated: 2022-09-22. Review status: criteria provided, single submitter. Criteria: GeneDx Variant Classification Process June 2021. Collection method: clinical testing. Allele origin: germline. Affected: yes.
Comment: In silico analysis supports that this missense variant has a deleterious effect on protein structure/function; Has not been previously published as pathogenic or benign to our knowledge

Ambry Genetics
Classification: Likely benign for Inborn genetic diseases. Last evaluated: 2019-12-28. Review status: criteria provided, single submitter. Criteria: Ambry Variant Classification Scheme 2023. Collection method: clinical testing. Allele origin: germline.

PreventionGenetics, part of Exact Sciences
Classification: Likely benign for WNK1-related condition. Last evaluated: 2022-07-06. Review status: no assertion criteria provided. Collection method: clinical testing. Allele origin: germline. Not counted in ClinVar's aggregate classification.
Comment: This variant is classified as likely benign based on ACMG/AMP sequence variant interpretation guidelines (Richards et al. 2015 PMID: 25741868, with internal and published modifications).